The following is an entry in ClinVar:

NM_015450.3(POT1):c.1426_1427insGCCGGGCGCGGTGGCTCGCGCCTGTAGTCCCAGCACGTCGGGAGGCCGAGGCGGGAGTATGGCGTGGACACGGGAACCGGANNNNNNNNNNAAAAAAAAAAAAAAAAAAAAAATAGTGTAATTCCTG (p.Val476delinsGlyArgAlaArgTrpLeuAlaProValValProAlaArgArgGluAlaGluAlaGlyValTrpArgGlyHisGlyAsnArgXaaXaaXaaXaaLysLysLysLysLysLysLysTer)

Gene: POT1 (protection of telomeres 1; minus strand). Cytogenetic location: 7q31.33.
Variant type: Insertion.
Coding change: c.1426_1427insGCCGGGCGCGGTGGCTCGCGCCTGTAGTCCCAGCACGTCGGGAGGCCGAGGCGGGAGTATGGCGTGGACACGGGAACCGGANNNNNNNNNNAAAAAAAAAAAAAAAAAAAAAATAGTGTAATTCCTG on transcript NM_015450.3 (MANE Select); coding-DNA positions 1426 to 1427, GCCGGGCGCGGTGGCTCGCGCCTGTAGTCCCAGCACGTCGGGAGGCCGAGGCGGGAGTATGGCGTGGACACGGGAACCGGANNNNNNNNNNAAAAAAAAAAAAAAAAAAAAAATAGTGTAATTCCTG inserted.
Protein change: p.Val476delinsGlyArgAlaArgTrpLeuAlaProValValProAlaArgArgGluAlaGluAlaGlyValTrpArgGlyHisGlyAsnArgXaaXaaXaaXaaLysLysLysLysLysLysLysTer.
Molecular consequence: nonsense. On other transcripts: non-coding transcript variant (3).
Genome position: GRCh38: chr7:124,835,373-124,835,374. GRCh37 (hg19): chr7:124,475,427-124,475,428.
Other names: c.1033_1034insGCCGGGCGCGGTGGCTCGCGCCTGTAGTCCCAGCACGTCGGGAGGCCGAGGCGGGAGTATGGCGTGGACACGGGAACCGGANNNNNNNNNNAAAAAAAAAAAAAAAAAAAAAATAGTGTAATTCCTG, p.Val345delinsGlyArgAlaArgTrpLeuAlaProValValProAlaArgArgGluAlaGluAlaGlyValTrpArgGlyHisGlyAsnArgXaaXaaXaaXaaLysLysLysLysLysLysLysTer (NM_001042594.2).
Identifiers: ClinVar variation 2749721 (VCV002749721.3), dbSNP rs2485374557.

ClinVar aggregate classification (germline): Pathogenic (1 of 4 stars; one submission).

Conditions:
Tumor predisposition syndrome 3 (TPDS3). Also called: Glioma susceptibility 9; Melanoma, cutaneous malignant, susceptibility to, 10; LONG TELOMERE SYNDROME, POT1-RELATED; POT1 Tumor Predisposition. Identifiers: Orphanet 618, MedGen C4014476, MONDO:0014368, OMIM 615848.

Submission:

Labcorp Genetics (formerly Invitae), Labcorp
Classification: Pathogenic for Tumor predisposition syndrome 3. Last evaluated: 2023-08-03. Review status: criteria provided, single submitter. Criteria: Invitae Variant Classification Sherloc (09022015). Collection method: clinical testing. Allele origin: germline.
Comment: For these reasons, this variant has been classified as Pathogenic. Retrotransposon insertions including LINE1 (L1), Alu, and SVA (SINE-VNTR-Alu) have been reported to be disease-causing through disruption of either a coding region or splice site (PMID: 19763152, 20307669, 22406018) and loss-of-function variants in POT1 are known to be pathogenic (PMID: 32155570). Algorithms developed to predict the effect of sequence changes on RNA splicing suggest that this variant may disrupt the consensus splice site. This variant has not been reported in the literature in individuals affected with POT1-related conditions. This variant is not present in population databases (gnomAD no frequency). This sequence change creates a premature translational stop signal (p.Val476fs) in the POT1 gene. It is expected to result in an absent or disrupted protein product. Loss-of-function variants in POT1 are known to be pathogenic (PMID: 32155570).

Literature cited by the submitters: PubMed 19763152; PubMed 20307669; PubMed 22406018; PubMed 32155570.